The following is an entry in ClinVar:

NM_000516.7(GNAS):c.332G>A (p.Ser111Asn)

Gene: GNAS (GNAS complex locus; plus strand). Cytogenetic location: 20q13.32.
Variant type: single nucleotide variant.
Coding change: c.332G>A on transcript NM_000516.7 (MANE Select); coding-DNA position 332, G replaced by A.
Protein change: p.Ser111Asn; replaces serine 111 with asparagine.
Molecular consequence: missense variant. On other transcripts: 3 prime UTR variant (2).
Genome position (GRCh38, 1-based): chr20:58,903,691, G>A. VCF-style: chr20-58903691-G-A. GRCh37 (hg19) VCF-style: chr20-57478746-G-A.
Other names: c.335G>A, p.Ser112Asn (NM_001077488.5); c.287G>A, p.Ser96Asn (NM_001077489.4); c.*193G>A (NM_001077490.3); c.155G>A, p.Ser52Asn (NM_001309840.2, NM_001309861.2); c.236G>A, p.Ser79Asn (NM_001410912.1); c.2216G>A, p.Ser739Asn (NM_001410913.1); c.*238G>A (NM_016592.5); c.2261G>A, p.Ser754Asn (NM_080425.4); and 1 more; short protein forms S79N, S739N, S96N, S97N, S111N, S112N, S52N, S754N.
Identifiers: ClinVar variation 2859282 (VCV002859282.3), dbSNP rs1239045963, ClinGen allele CA409450391.

ClinVar aggregate classification (germline): Uncertain significance (1 of 4 stars; one submission).

Submission:

Labcorp Genetics (formerly Invitae), Labcorp
Classification: Uncertain significance. Last evaluated: 2023-04-25. Review status: criteria provided, single submitter. Criteria: Invitae Variant Classification Sherloc (09022015). Collection method: clinical testing. Allele origin: germline.
Comment: In summary, the available evidence is currently insufficient to determine the role of this variant in disease. Therefore, it has been classified as a Variant of Uncertain Significance. This sequence change replaces serine, which is neutral and polar, with asparagine, which is neutral and polar, at codon 111 of the GNAS protein (p.Ser111Asn). This variant is not present in population databases (gnomAD no frequency). This variant has not been reported in the literature in individuals affected with GNAS-related conditions. Advanced modeling of protein sequence and biophysical properties (such as structural, functional, and spatial information, amino acid conservation, physicochemical variation, residue mobility, and thermodynamic stability) performed at Invitae indicates that this missense variant is not expected to disrupt GNAS protein function. Experimental studies have shown that this missense change affects GNAS function (PMID: 11968001).

Literature cited by the submitters: PubMed 11968001.